The following is an entry in ClinVar:

ClinVar aggregate classification (germline): Likely pathogenic. Review status: criteria provided, multiple submitters, no conflicts (2 of 4 stars). 2 submissions from 2 submitters: Likely pathogenic (2). Last evaluated 2022-04-27.

Conditions:
Lowe syndrome (OCRL). Also called: Oculocerebrorenal Syndrome; LOWE OCULOCEREBRORENAL SYNDROME; PHOSPHATIDYLINOSITOL 4,5-BISPHOSPHATE 5-PHOSPHATASE DEFICIENCY. Identifiers: Orphanet 534, MedGen C0028860, MONDO:0010645, OMIM 309000.

Submissions (3):

Laboratorio de Genetica e Diagnostico Molecular, Hospital Israelita Albert Einstein
Classification: Likely pathogenic for Lowe syndrome. Last evaluated: 2022-04-27. Review status: criteria provided, single submitter. Criteria: ACMG Guidelines, 2015. Collection method: clinical testing. Allele origin: germline. Affected: yes. Observed: 1 variant allele.
Comment: ACMG classification criteria: PVS1 strong, PM2 moderated

Labcorp Genetics (formerly Invitae), Labcorp
Classification: Likely pathogenic for Lowe syndrome. Last evaluated: 2021-04-06. Review status: criteria provided, single submitter. Criteria: Invitae Variant Classification Sherloc (09022015). Collection method: clinical testing. Allele origin: germline.
Comment: In summary, the currently available evidence indicates that the variant is pathogenic, but additional data are needed to prove that conclusively. Therefore, this variant has been classified as Likely Pathogenic. Algorithms developed to predict the effect of sequence changes on RNA splicing suggest that this variant may disrupt the consensus splice site, but this prediction has not been confirmed by published transcriptional studies. Disruption of this splice site has been observed in individual(s) with clinical features of OCRL-related disorders (PMID: 14981612). This variant is not present in population databases (ExAC no frequency). This sequence change affects a donor splice site in intron 20 of the OCRL gene. It is expected to disrupt RNA splicing. Variants that disrupt the donor or acceptor splice site typically lead to a loss of protein function (PMID: 16199547), and loss-of-function variants in OCRL are known to be pathogenic (PMID: 21031565, 22381590).

Dr. Peter K. Rogan Lab, Western University
No classification provided (evidence only). Condition: Nonpapillary renal cell carcinoma. Review status: no classification provided. Collection method: in vitro. Allele origin: not applicable. Functional consequence: retained intron. Not counted in ClinVar's aggregate classification.

Literature cited by the submitters: PubMed 14981612 (cited by Labcorp Genetics (formerly Invitae), Labcorp); PubMed 16199547 (cited by Labcorp Genetics (formerly Invitae), Labcorp); PubMed 21031565 (cited by Labcorp Genetics (formerly Invitae), Labcorp); PubMed 22381590 (cited by Labcorp Genetics (formerly Invitae), Labcorp).

NM_000276.4(OCRL):c.2256+1G>T

Gene: OCRL (OCRL inositol polyphosphate-5-phosphatase; plus strand). Cytogenetic location: Xq26.1.
Variant type: single nucleotide variant.
Coding change: c.2256+1G>T on transcript NM_000276.4 (MANE Select); the canonical splice donor site of the intron after coding-DNA position 2256, G replaced by T.
Molecular consequence: splice donor variant.
Genome position (GRCh38, 1-based): chrX:129,587,119, G>T. VCF-style: chrX-129587119-G-T. GRCh37 (hg19) VCF-style: chrX-128721096-G-T.
Other names: c.2259+1G>T (NM_001318784.2); c.2232+1G>T (NM_001587.4).
Identifiers: ClinVar variation 1472767 (VCV001472767.9), dbSNP rs2124428298, ClinGen allele CA414628407.